The following is an entry in ClinVar:

NM_016616.5(NME8):c.748G>A (p.Glu250Lys)

Gene: NME8 (NME/NM23 family member 8; plus strand). Cytogenetic location: 7p14.1.
Variant type: single nucleotide variant.
Coding change: c.748G>A on transcript NM_016616.5 (MANE Select); coding-DNA position 748, G replaced by A.
Protein change: p.Glu250Lys; replaces glutamic acid 250 with lysine.
Molecular consequence: missense variant.
Genome position (GRCh38, 1-based): chr7:37,867,828, G>A. VCF-style: chr7-37867828-G-A. GRCh37 (hg19) VCF-style: chr7-37907430-G-A.
Other names: short protein forms E250K.
Identifiers: ClinVar variation 2197691 (VCV002197691.4), dbSNP rs773058604, ClinGen allele CA4222327.

ClinVar aggregate classification (germline): Uncertain significance (1 of 4 stars; one submission).

Conditions:
Primary ciliary dyskinesia 6. Also called: Primary Ciliary Dyskinesia 6: TXNDC3-Related Primary Ciliary Dyskinesia. Identifiers: Orphanet 244, MedGen C1970506, MONDO:0012571, OMIM 610852.

Allele frequency attached by ClinVar (database versions not stated): ExAC 0.00001; gnomAD 0.00003; TOPMed 0.00005.
gnomAD v4.1: 23 of 1,613,642 alleles (0.0014%); highest among the groups gnomAD compares: African/African-American, 0.008%; no homozygotes.

Submission:

Labcorp Genetics (formerly Invitae), Labcorp
Classification: Uncertain significance for Primary ciliary dyskinesia 6. Last evaluated: 2026-01-22. Review status: criteria provided, single submitter. Criteria: Invitae Variant Classification Sherloc (09022015). Collection method: clinical testing. Allele origin: germline.
Comment: This sequence change replaces glutamic acid, which is acidic and polar, with lysine, which is basic and polar, at codon 250 of the NME8 protein (p.Glu250Lys). This variant is present in population databases (rs773058604, gnomAD 0.003%). This variant has not been reported in the literature in individuals affected with NME8-related conditions. ClinVar contains an entry for this variant (Variation ID: 2197691). Invitae Evidence Modeling of protein sequence and biophysical properties (such as structural, functional, and spatial information, amino acid conservation, physicochemical variation, residue mobility, and thermodynamic stability) indicates that this missense variant is not expected to disrupt NME8 protein function with a negative predictive value of 80%. In summary, the available evidence is currently insufficient to determine the role of this variant in disease. Therefore, it has been classified as a Variant of Uncertain Significance.